The following is an entry in ClinVar:

ClinVar aggregate classification (germline): Conflicting classifications of pathogenicity. Review status: criteria provided, conflicting classifications (1 of 4 stars). 5 submissions from 5 submitters: Uncertain significance (2); Likely benign (2). 1 of the submissions does not count toward it. Last evaluated 2025-07-22.

Conditions:
Hereditary breast ovarian cancer syndrome. Also called: Hereditary breast and ovarian cancer syndrome; Hereditary breast and ovarian cancer; Hereditary breast and ovarian cancer syndrome (HBOC); Breast and ovarian cancer; Hereditary breast and/or ovarian cancer syndrome; BRCA1- and BRCA2-Associated Hereditary Breast and Ovarian Cancer. Identifiers: Orphanet 145, MedGen C0677776, MeSH D061325, MONDO:0003582. Disease mechanism: loss of function.
Breast-ovarian cancer, familial, susceptibility to, 2 (BROVCA2). Also called: BRCA2 Hereditary Breast and Ovarian Cancer. Identifiers: Orphanet 145, MedGen C2675520, MONDO:0012933, OMIM 612555. Disease mechanism: loss of function.
Hereditary cancer-predisposing syndrome. Also called: Neoplastic Syndromes, Hereditary; Tumor predisposition; Hereditary Cancer Syndrome; Hereditary neoplastic syndrome. Identifiers: Orphanet 140162, MedGen C0027672, MeSH D009386, MONDO:0015356.

Submissions (5):

Ambry Genetics
Classification: Likely benign for Hereditary cancer-predisposing syndrome. Last evaluated: 2025-07-22. Review status: criteria provided, single submitter. Criteria: Ambry Variant Classification Scheme 2023. Collection method: clinical testing. Allele origin: germline.

Quest Diagnostics Nichols Institute San Juan Capistrano
Classification: Uncertain significance. Last evaluated: 2025-04-29. Review status: criteria provided, single submitter. Criteria: Quest Diagnostics criteria. Collection method: clinical testing. Allele origin: unknown.
Comment: The BRCA2 c.10105A>G (p.Thr3369Ala) variant has not been reported in individuals with BRCA2-related conditions in the published literature. It also has not been reported in large, multi-ethnic general populations (Genome Aggregation Database). Analysis of this variant using bioinformatics tools for the prediction of the effect of amino acid changes on protein structure and function yielded predictions that this variant is benign. Based on the available information, we are unable to determine the clinical significance of this variant.

Labcorp Genetics (formerly Invitae), Labcorp
Classification: Uncertain significance for Hereditary breast ovarian cancer syndrome. Last evaluated: 2021-07-17. Review status: criteria provided, single submitter. Criteria: Invitae Variant Classification Sherloc (09022015). Collection method: clinical testing. Allele origin: germline.
Comment: Advanced modeling of protein sequence and biophysical properties (such as structural, functional, and spatial information, amino acid conservation, physicochemical variation, residue mobility, and thermodynamic stability) performed at Invitae indicates that this missense variant is not expected to disrupt BRCA2 protein function. This sequence change replaces threonine with alanine at codon 3369 of the BRCA2 protein (p.Thr3369Ala). The threonine residue is moderately conserved and there is a small physicochemical difference between threonine and alanine. This variant is not present in population databases (ExAC no frequency). This variant has not been reported in the literature in individuals with BRCA2-related conditions. ClinVar contains an entry for this variant (Variation ID: 51042). In summary, the available evidence is currently insufficient to determine the role of this variant in disease. Therefore, it has been classified as a Variant of Uncertain Significance.

GeneDx
Classification: Likely benign. Last evaluated: 2015-06-03. Review status: criteria provided, single submitter. Criteria: GeneDx Variant Classification (06012015). Collection method: clinical testing. Allele origin: germline. Affected: yes.
Comment: This variant is considered likely benign or benign based on one or more of the following criteria: it is a conservative change, it occurs at a poorly conserved position in the protein, it is predicted to be benign by multiple in silico algorithms, and/or has population frequency not consistent with disease.

Breast Cancer Information Core (BIC) (BRCA2)
Classification: Uncertain significance for Breast-ovarian cancer, familial 2. Last evaluated: 2002-05-29. Review status: no assertion criteria provided. Collection method: clinical testing. Allele origin: germline. Affected: yes. Observed: 1 variant allele. Not counted in ClinVar's aggregate classification.

NM_000059.4(BRCA2):c.10105A>G (p.Thr3369Ala)

Gene: BRCA2 (BRCA2 DNA repair associated; plus strand). Cytogenetic location: 13q13.1.
Variant type: single nucleotide variant.
Coding change: c.10105A>G on transcript NM_000059.4 (MANE Select); coding-DNA position 10105, A replaced by G.
Protein change: p.Thr3369Ala; replaces threonine 3369 with alanine.
Molecular consequence: missense variant.
Genome position (GRCh38, 1-based): chr13:32,398,618, A>G. VCF-style: chr13-32398618-A-G. GRCh37 (hg19) VCF-style: chr13-32972755-A-G.
Other names: short protein forms T3369A.
Identifiers: ClinVar variation 51042 (VCV000051042.12), dbSNP rs80358392, ClinGen allele CA010254.